The following is an entry in ClinVar:

NM_000321.3(RB1):c.1961-2A>G

Gene: RB1 (RB transcriptional corepressor 1; plus strand). Cytogenetic location: 13q14.2.
Variant type: single nucleotide variant.
Coding change: c.1961-2A>G on transcript NM_000321.3 (MANE Select); the canonical splice acceptor site of the intron before coding-DNA position 1961, A replaced by G.
Molecular consequence: splice acceptor variant.
Genome position (GRCh38, 1-based): chr13:48,459,686, A>G. VCF-style: chr13-48459686-A-G. GRCh37 (hg19) VCF-style: chr13-49033822-A-G.
Other names: c.1961-2A>G (NM_001407165.1).
Identifiers: ClinVar variation 2736031 (VCV002736031.4), dbSNP rs587778867, ClinGen allele CA388166668.
Genomic context (GRCh38, chr13:48,459,686, plus strand): 5'-AAAAAATCTACTTGTAATTCAAAATGAACAGTAAAAATGACTAATTTTTCTTATTCCCAC[A>G]GTGTATCGGCTAGCCTATCTCCGGCTAAATACACTTTGTGAACGCCTTCTGTCTGAGCAC-3'

ClinVar aggregate classification (germline): Pathogenic. Review status: criteria provided, multiple submitters, no conflicts (2 of 4 stars). 2 submissions from 2 submitters: Pathogenic (2). Last evaluated 2024-05-20.

Conditions:
Retinoblastoma (RB1). Also called: RETINOBLASTOMA, SOMATIC. Identifiers: Orphanet 790, MedGen C0035335, MeSH D012175, MONDO:0008380, OMIM 180200, HP:0009919. Disease mechanism: loss of function. Inheritance: Both sporadic and heritable forms are tested..

Submissions (2):

Genetic Diagnostic Laboratory, University of Pennsylvania School of Medicine
Classification: Pathogenic for Retinoblastoma. Last evaluated: 2024-05-20. Review status: criteria provided, single submitter. Criteria: ACMG Guidelines, 2015. Collection method: clinical testing. Allele origin: germline. Affected: yes. Observed: 2 variant alleles.
Comment: Case and Pedigree Information: BILATERAL CASES:2, UNILATERAL CASES:0, TOTAL CASES:2, PEDIGREES:2. ACMG Codes Applied:PVS1, PM2

Labcorp Genetics (formerly Invitae), Labcorp
Classification: Pathogenic for Retinoblastoma. Last evaluated: 2023-07-06. Review status: criteria provided, single submitter. Criteria: Invitae Variant Classification Sherloc (09022015). Collection method: clinical testing. Allele origin: germline.
Comment: This sequence change affects an acceptor splice site in intron 19 of the RB1 gene. It is expected to disrupt RNA splicing. Variants that disrupt the donor or acceptor splice site typically lead to a loss of protein function (PMID: 16199547), and loss-of-function variants in RB1 are known to be pathogenic (PMID: 17096365). This variant is not present in population databases (gnomAD no frequency). Disruption of this splice site has been observed in individual(s) with bilateral retinoblastoma (PMID: 14722923). This variant is also known as g.156691A>G. Algorithms developed to predict the effect of sequence changes on RNA splicing suggest that this variant may disrupt the consensus splice site. For these reasons, this variant has been classified as Pathogenic.

Literature cited by the submitters: PubMed 16199547 (cited by Labcorp Genetics (formerly Invitae), Labcorp); PubMed 17096365 (cited by Labcorp Genetics (formerly Invitae), Labcorp); PubMed 14722923 (cited by Labcorp Genetics (formerly Invitae), Labcorp).